The following is an entry in ClinVar:

NM_016327.3(UPB1):c.-63C>T

Gene: UPB1 (beta-ureidopropionase 1; plus strand). Cytogenetic location: 22q11.23.
Variant type: single nucleotide variant.
Coding change: c.-63C>T on transcript NM_016327.3 (MANE Select); 63 bases upstream of the start codon, C replaced by T.
Molecular consequence: 5 prime UTR variant.
Genome position (GRCh38, 1-based): chr22:24,495,341, C>T. VCF-style: chr22-24495341-C-T. GRCh37 (hg19) VCF-style: chr22-24891309-C-T.
Identifiers: ClinVar variation 340924 (VCV000340924.5), dbSNP rs116629687, ClinGen allele CA10653260.
Genomic context (GRCh38, chr22:24,495,341, plus strand): 5'-CTGTCTGGGAGCGAGAGTAAGAGATAAAGGCAAGGGCGCCTGACCGGGCCTGGGCACCTC[C>T]TCCCACTGCGGGCAAAGGGCAGGCAGTTCGTGCGCGGACACAAGCACTGGCGGACCGTGG-3'

ClinVar aggregate classification (germline): Likely benign (1 of 4 stars; one submission).

Conditions:
Deficiency of beta-ureidopropionase (UPB1D). Also called: Beta-ureidopropionase deficiency. Identifiers: Orphanet 65287, MedGen C1291512, MONDO:0013164, OMIM 613161.

Allele frequency attached by ClinVar (database versions not stated): gnomAD exomes 0.00044; 1000 Genomes Project 0.00439; gnomAD 0.00448 and 0.00486; 1000 Genomes Project 30x 0.00453; TOPMed 0.00491.
gnomAD v4.1: 1,336 of 1,576,962 alleles (0.085%); highest among the groups gnomAD compares: African/African-American, 1.6%; 17 homozygotes.

Submission:

Illumina Laboratory Services, Illumina
Classification: Likely benign for Deficiency of beta-ureidopropionase. Last evaluated: 2018-01-13. Review status: criteria provided, single submitter. Criteria: ICSL Variant Classification Criteria 13 December 2019. Collection method: clinical testing. Allele origin: germline.
Comment: This variant was observed in the ICSL laboratory as part of a predisposition screen in an ostensibly healthy population. It had not been previously curated by ICSL or reported in the Human Gene Mutation Database (HGMD: prior to June 1st, 2018), and was therefore a candidate for classification through an automated scoring system. Utilizing variant allele frequency, disease prevalence and penetrance estimates, and inheritance mode, an automated score was calculated to assess if this variant is too frequent to cause the disease. Based on the score and internal cut-off values, a variant classified as likely benign is not then subjected to further curation. The score for this variant resulted in a classification of likely benign for this disease.